The following is an entry in ClinVar:

NM_182914.3(SYNE2):c.18434A>G (p.Tyr6145Cys)

Gene: SYNE2 (spectrin repeat containing nuclear envelope protein 2; plus strand). Cytogenetic location: 14q23.2.
Variant type: single nucleotide variant.
Coding change: c.18434A>G on transcript NM_182914.3 (MANE Select); coding-DNA position 18434, A replaced by G.
Protein change: p.Tyr6145Cys; replaces tyrosine 6145 with cysteine.
Molecular consequence: missense variant.
Genome position (GRCh38, 1-based): chr14:64,209,472, A>G. VCF-style: chr14-64209472-A-G. GRCh37 (hg19) VCF-style: chr14-64676190-A-G.
Other names: c.18434A>G, p.Tyr6145Cys (NM_015180.6); short protein forms Y6145C.
Identifiers: ClinVar variation 3630086 (VCV003630086.2).

ClinVar aggregate classification (germline): Uncertain significance (1 of 4 stars; one submission).

Conditions:
Emery-Dreifuss muscular dystrophy 5, autosomal dominant (EDMD5). Also called: EMERY-DREIFUSS MUSCULAR DYSTROPHY 5. Identifiers: Orphanet 261, MedGen C2751805, MONDO:0013072, OMIM 612999.

gnomAD v4.1: 42 of 1,614,132 alleles (0.0026%); highest among the groups gnomAD compares: African/African-American, 0.004%; no homozygotes.

Submission:

Labcorp Genetics (formerly Invitae), Labcorp
Classification: Uncertain significance for Emery-Dreifuss muscular dystrophy 5, autosomal dominant. Last evaluated: 2024-08-28. Review status: criteria provided, single submitter. Criteria: Invitae Variant Classification Sherloc (09022015). Collection method: clinical testing. Allele origin: germline.
Comment: This sequence change replaces tyrosine, which is neutral and polar, with cysteine, which is neutral and slightly polar, at codon 6145 of the SYNE2 protein (p.Tyr6145Cys). This variant is present in population databases (rs755990889, gnomAD 0.003%). This variant has not been reported in the literature in individuals affected with SYNE2-related conditions. An algorithm developed to predict the effect of missense changes on protein structure and function (PolyPhen-2) suggests that this variant is likely to be disruptive. In summary, the available evidence is currently insufficient to determine the role of this variant in disease. Therefore, it has been classified as a Variant of Uncertain Significance.